The following is an entry in ClinVar:

NM_198576.4(AGRN):c.4514+57A>G

Gene: AGRN (agrin; plus strand). Cytogenetic location: 1p36.33.
Variant type: single nucleotide variant.
Coding change: c.4514+57A>G on transcript NM_198576.4 (MANE Select); 57 bases into the intron after coding-DNA position 4514, A replaced by G.
Molecular consequence: intron variant.
Genome position (GRCh38, 1-based): chr1:1,049,508, A>G. VCF-style: chr1-1049508-A-G. GRCh37 (hg19) VCF-style: chr1-984888-A-G.
Other names: NC_000001.10:g.984888A>G; c.4514+57A>G (NM_001305275.2); c.4199+57A>G (NM_001364727.2).
Identifiers: ClinVar variation 678951 (VCV000678951.3), dbSNP rs112331531, ClinGen allele CA10917748.
Genomic context (GRCh38, chr1:1,049,508, plus strand): 5'-CCGTGTGAGTCCCTTGGAGGGTGGTGTGGCCCCGACCCCGGCCCTTTGGGGTCCCGGTGT[A>G]CGAGGTGGCTTTGCCTGTGGCCCCTGAGCCCTGACCCGGTGTCCCTCCTGGTGGCAGGGC-3'

ClinVar aggregate classification (germline): Benign. Review status: criteria provided, multiple submitters, no conflicts (2 of 4 stars). 2 submissions from 2 submitters: Benign (2). Last evaluated 2018-06-19.

Allele frequency attached by ClinVar (database versions not stated): gnomAD exomes 0.01330; gnomAD 0.07181 and 0.07657; 1000 Genomes Project 0.07348; 1000 Genomes Project 30x 0.07808; TOPMed 0.08130.
gnomAD v4.1: 30,700 of 1,596,148 alleles (1.9%); highest among the groups gnomAD compares: African/African-American, 23%; 2,185 homozygotes.

Submissions (15):

GeneDx
Classification: Benign. Last evaluated: 2018-06-19. Review status: criteria provided, single submitter. Criteria: GeneDx Variant Classification (06012015). Collection method: clinical testing. Allele origin: germline. Affected: yes.
Comment: This variant is considered likely benign or benign based on one or more of the following criteria: it is a conservative change, it occurs at a poorly conserved position in the protein, it is predicted to be benign by multiple in silico algorithms, and/or has population frequency not consistent with disease.

Breakthrough Genomics
Classification: Benign. Review status: criteria provided, single submitter. Criteria: ACMG Guidelines, 2015. Collection method: not provided. Allele origin: germline. Inheritance: Autosomal recessive inheritance. Affected: yes.

Dr. Peter K. Rogan Lab, Western University
No classification provided (evidence only). Condition: Lung cancer. Review status: no classification provided. Collection method: in vitro. Allele origin: not applicable. Functional consequence: retained intron. Not counted in ClinVar's aggregate classification.

Dr. Peter K. Rogan Lab, Western University
No classification provided (evidence only). Condition: Lung cancer. Review status: no classification provided. Collection method: in vitro. Allele origin: not applicable. Functional consequence: retained intron. Not counted in ClinVar's aggregate classification.

Dr. Peter K. Rogan Lab, Western University
No classification provided (evidence only). Condition: Cervical cancer. Review status: no classification provided. Collection method: in vitro. Allele origin: not applicable. Functional consequence: retained intron. Not counted in ClinVar's aggregate classification.

Dr. Peter K. Rogan Lab, Western University
No classification provided (evidence only). Condition: Cervical cancer. Review status: no classification provided. Collection method: in vitro. Allele origin: not applicable. Functional consequence: retained intron. Not counted in ClinVar's aggregate classification.

Dr. Peter K. Rogan Lab, Western University
No classification provided (evidence only). Condition: Cervical cancer. Review status: no classification provided. Collection method: in vitro. Allele origin: not applicable. Functional consequence: retained intron. Not counted in ClinVar's aggregate classification.

Dr. Peter K. Rogan Lab, Western University
No classification provided (evidence only). Condition: Cervical cancer. Review status: no classification provided. Collection method: in vitro. Allele origin: not applicable. Functional consequence: retained intron. Not counted in ClinVar's aggregate classification.

Dr. Peter K. Rogan Lab, Western University
No classification provided (evidence only). Condition: Cervical cancer. Review status: no classification provided. Collection method: in vitro. Allele origin: not applicable. Functional consequence: retained intron. Not counted in ClinVar's aggregate classification.

Dr. Peter K. Rogan Lab, Western University
No classification provided (evidence only). Condition: Sarcoma. Review status: no classification provided. Collection method: in vitro. Allele origin: not applicable. Functional consequence: retained intron. Not counted in ClinVar's aggregate classification.

Dr. Peter K. Rogan Lab, Western University
No classification provided (evidence only). Condition: Ovarian serous cystadenocarcinoma. Review status: no classification provided. Collection method: in vitro. Allele origin: not applicable. Functional consequence: retained intron. Not counted in ClinVar's aggregate classification.

Dr. Peter K. Rogan Lab, Western University
No classification provided (evidence only). Condition: Gastric cancer. Review status: no classification provided. Collection method: in vitro. Allele origin: not applicable. Functional consequence: retained intron. Not counted in ClinVar's aggregate classification.

Dr. Peter K. Rogan Lab, Western University
No classification provided (evidence only). Condition: Gastric cancer. Review status: no classification provided. Collection method: in vitro. Allele origin: not applicable. Functional consequence: retained intron. Not counted in ClinVar's aggregate classification.

Dr. Peter K. Rogan Lab, Western University
No classification provided (evidence only). Condition: Gastric cancer. Review status: no classification provided. Collection method: in vitro. Allele origin: not applicable. Functional consequence: retained intron. Not counted in ClinVar's aggregate classification.

Dr. Peter K. Rogan Lab, Western University
No classification provided (evidence only). Condition: Malignant tumor of esophagus. Review status: no classification provided. Collection method: in vitro. Allele origin: not applicable. Functional consequence: retained intron. Not counted in ClinVar's aggregate classification.